The following is an entry in ClinVar:

NM_173628.4(DNAH17):c.4296G>A (p.Pro1432=)

Genes: DNAH17 (dynein axonemal heavy chain 17; minus strand), LOC126862654 (MED14-independent group 3 enhancer GRCh37_chr17:76502868-76504067; plus strand). Cytogenetic location: 17q25.3.
Variant type: single nucleotide variant.
Coding change: c.4296G>A on transcript NM_173628.4 (MANE Select); coding-DNA position 4296, G replaced by A.
Protein change: p.Pro1432=; no amino-acid change (proline 1432 retained).
Molecular consequence: synonymous variant.
Genome position (GRCh38, 1-based): chr17:78,507,746, C>T on the plus strand (G>A on the coding strand, the complement: DNAH17 is on the minus strand). VCF-style: chr17-78507746-C-T. GRCh37 (hg19) VCF-style: chr17-76503828-C-T.
Identifiers: ClinVar variation 3051638 (VCV003051638.3), dbSNP rs185987859, ClinGen allele CA8803802.

ClinVar aggregate classification (germline): Likely benign. Review status: criteria provided, single submitter (1 of 4 stars). 2 submissions from 2 submitters: Likely benign (1). 1 of the submissions does not count toward it. Last evaluated 2024-10-04.

Conditions:
DNAH17-related disorder. Also called: DNAH17-related condition.

Allele frequency attached by ClinVar (database versions not stated): gnomAD exomes 0.00008; ESP Exome Variant Server 0.00024; ExAC 0.00041; 1000 Genomes Project 0.00080; 1000 Genomes Project 30x 0.00094.
gnomAD v4.1: 150 of 1,600,942 alleles (0.0094%); highest among the groups gnomAD compares: East Asian, 0.13%; no homozygotes.

Submissions (2):

Blueprint Genetics
Classification: Likely benign. Last evaluated: 2024-10-04. Review status: criteria provided, single submitter. Criteria: ACMG Guidelines, 2015. Collection method: clinical testing. Allele origin: germline.

PreventionGenetics, part of Exact Sciences
Classification: Likely benign for DNAH17-related condition. Last evaluated: 2020-01-06. Review status: no assertion criteria provided. Collection method: clinical testing. Allele origin: germline. Not counted in ClinVar's aggregate classification.
Comment: This variant is classified as likely benign based on ACMG/AMP sequence variant interpretation guidelines (Richards et al. 2015 PMID: 25741868, with internal and published modifications).